The following is an entry in ClinVar:

ClinVar aggregate classification (germline): Conflicting classifications of pathogenicity. Review status: criteria provided, conflicting classifications (1 of 4 stars). 16 submissions from 16 submitters: Uncertain significance (1); Benign (1); Likely benign (10). 4 of the submissions do not count toward it. Last evaluated 2025-12-28.

Conditions:
BRCA2-related disorder. Also called: BRCA2-related condition; BRCA2-related disorders. Identifiers: MedGen CN239275.
Breast and/or ovarian cancer. Identifiers: MedGen CN221562.
Hereditary cancer-predisposing syndrome. Also called: Tumor predisposition; Hereditary neoplastic syndrome; Neoplastic Syndromes, Hereditary; Hereditary Cancer Syndrome. Identifiers: Orphanet 140162, MedGen C0027672, MeSH D009386, MONDO:0015356.
Hereditary breast ovarian cancer syndrome. Also called: Hereditary breast and ovarian cancer syndrome (HBOC); Hereditary breast and ovarian cancer; Hereditary breast and ovarian cancer syndrome; Breast and ovarian cancer; Hereditary breast and/or ovarian cancer syndrome; BRCA1- and BRCA2-Associated Hereditary Breast and Ovarian Cancer. Identifiers: Orphanet 145, MedGen C0677776, MeSH D061325, MONDO:0003582. Disease mechanism: loss of function.
Breast-ovarian cancer, familial, susceptibility to, 2 (BROVCA2). Also called: BRCA2 Hereditary Breast and Ovarian Cancer. Identifiers: Orphanet 145, MedGen C2675520, MONDO:0012933, OMIM 612555. Disease mechanism: loss of function.

Submissions (16):

Labcorp Genetics (formerly Invitae), Labcorp
Classification: Likely benign for Hereditary breast ovarian cancer syndrome. Last evaluated: 2025-12-28. Review status: criteria provided, single submitter. Criteria: Invitae Variant Classification Sherloc (09022015). Collection method: clinical testing. Allele origin: germline.

Women's Health and Genetics/Laboratory Corporation of America, LabCorp
Classification: Likely benign. Last evaluated: 2025-06-30. Review status: criteria provided, single submitter. Criteria: LabCorp Variant Classification Summary - May 2015. Collection method: clinical testing. Allele origin: germline.
Comment: Variant summary: BRCA2 c.165_167delCAA (p.Asn56del) results in an in-frame deletion that is predicted to remove one amino acid from the encoded protein. The variant allele was found at a frequency of 2e-05 in 251382 control chromosomes. The available data on variant occurrences in the general population are insufficient to allow any conclusion about variant significance. c.165_167delCAA variant has been reported in several affected individuals via publications without strong evidence for causality (example: de Juan Jimenez_2011). This report does not provide unequivocal conclusions about association of the variant with Hereditary Breast And Ovarian Cancer Syndrome. Co-occurrences with other pathogenic variants have been reported (BIC) and observed internally (BRCA2 c.1929_1929delG, p.Arg645fs; BRCA1 c.5177_5180delGAAA, p.Arg1726fs; BRCA2 c.3744_3747delTGAG, p.Ser1248fs), providing supporting evidence for a benign role. At least one publication reports experimental evidence evaluating an impact on protein function. These results showed variant was complementation positive with a 70% HDR capacity and an 84% cisplatin sensitivity (Mesman_2018). The following publications have been ascertained in the context of this evaluation (PMID: 19941162, 20167696, 21147080, 29988080). ClinVar contains an entry for this variant (Variation ID: 96767). Based on the evidence outlined above, the variant was classified as likely benign.

Center for Genomic Medicine, Rigshospitalet, Copenhagen University Hospital
Classification: Likely benign. Last evaluated: 2025-03-04. Review status: criteria provided, single submitter. Criteria: ACMG Guidelines, 2015. Collection method: clinical testing. Allele origin: germline.

Blueprint Genetics
Classification: Likely benign. Last evaluated: 2024-10-09. Review status: criteria provided, single submitter. Criteria: ACMG Guidelines, 2015. Collection method: clinical testing. Allele origin: germline.

CeGaT Center for Human Genetics Tuebingen
Classification: Likely benign. Last evaluated: 2023-11-01. Review status: criteria provided, single submitter. Criteria: CeGaT Center For Human Genetics Tuebingen Variant Classification Criteria Version 2. Collection method: clinical testing. Allele origin: germline. Affected: yes. Observed: 2 variant alleles.
Comment: BRCA2: PM4:Supporting, BP4, BS3:Supporting

Quest Diagnostics Nichols Institute San Juan Capistrano
Classification: Likely benign. Last evaluated: 2023-05-15. Review status: criteria provided, single submitter. Criteria: Quest Diagnostics criteria. Collection method: clinical testing. Allele origin: unknown.

CHEO Genetics Diagnostic Laboratory, Children's Hospital of Eastern Ontario
Classification: Uncertain significance for Breast and/or ovarian cancer. Last evaluated: 2022-07-29. Review status: criteria provided, single submitter. Criteria: ACMG Guidelines, 2015. Collection method: clinical testing. Allele origin: germline.

GeneDx
Classification: Likely benign. Last evaluated: 2021-09-22. Review status: criteria provided, single submitter. Criteria: GeneDx Variant Classification Process June 2021. Collection method: clinical testing. Allele origin: germline. Affected: yes.
Comment: This variant is associated with the following publications: (PMID: 29988080)

Sema4
Classification: Likely benign for Hereditary cancer-predisposing syndrome. Last evaluated: 2021-06-23. Review status: criteria provided, single submitter. Criteria: Sema4 Curation Guidelines. Collection method: curation. Allele origin: germline.

Ambry Genetics
Classification: Likely benign for Hereditary cancer-predisposing syndrome. Last evaluated: 2018-07-16. Review status: criteria provided, single submitter. Criteria: Ambry Variant Classification Scheme 2023. Collection method: clinical testing. Allele origin: germline.

Genetic Services Laboratory, University of Chicago
Classification: Likely benign. Last evaluated: 2018-04-24. Review status: criteria provided, single submitter. Criteria: ACMG Guidelines, 2015. Collection method: clinical testing. Allele origin: germline. Affected: no.

Color Diagnostics, LLC DBA Color Health
Classification: Benign for Hereditary cancer-predisposing syndrome. Last evaluated: 2016-12-01. Review status: criteria provided, single submitter. Criteria: ACMG Guidelines, 2015. Collection method: clinical testing. Allele origin: germline.

PreventionGenetics, part of Exact Sciences
Classification: Likely benign for BRCA2-related condition. Last evaluated: 2022-11-03. Review status: no assertion criteria provided. Collection method: clinical testing. Allele origin: germline. Not counted in ClinVar's aggregate classification.
Comment: This variant is classified as likely benign based on ACMG/AMP sequence variant interpretation guidelines (Richards et al. 2015 PMID: 25741868, with internal and published modifications).

BRCAlab, Lund University
Classification: Likely benign for Breast-ovarian cancer, familial, susceptibility to, 2. Last evaluated: 2020-03-02. Review status: no assertion criteria provided. Collection method: clinical testing. Allele origin: germline. Affected: yes. Not counted in ClinVar's aggregate classification.

Sharing Clinical Reports Project (SCRP)
Classification: Benign for Breast-ovarian cancer, familial 2. Last evaluated: 2010-01-28. Review status: no assertion criteria provided. Collection method: clinical testing. Allele origin: germline. Not counted in ClinVar's aggregate classification.

Breast Cancer Information Core (BIC) (BRCA2)
Classification: Uncertain significance for Breast-ovarian cancer, familial 2. Last evaluated: 2004-02-20. Review status: no assertion criteria provided. Collection method: clinical testing. Allele origin: germline. Affected: yes. Observed: 4 variant alleles. Not counted in ClinVar's aggregate classification.

Literature cited by the submitters: PubMed 19941162 (cited by Women's Health and Genetics/Laboratory Corporation of America, LabCorp and Quest Diagnostics Nichols Institute San Juan Capistrano); PubMed 20167696 (cited by Women's Health and Genetics/Laboratory Corporation of America, LabCorp and Quest Diagnostics Nichols Institute San Juan Capistrano); PubMed 21147080 (cited by Women's Health and Genetics/Laboratory Corporation of America, LabCorp and Quest Diagnostics Nichols Institute San Juan Capistrano); PubMed 29988080 (cited by 3 submitters); PubMed 35979650 (cited by Quest Diagnostics Nichols Institute San Juan Capistrano).

NM_000059.4(BRCA2):c.162CAA[1] (p.Asn56del)

Gene: BRCA2 (BRCA2 DNA repair associated; plus strand). Cytogenetic location: 13q13.1.
Variant type: Microsatellite.
Coding change: c.162CAA[1] on transcript NM_000059.4 (MANE Select); one copy of the 3-base unit CAA starting at c.162; the reference has two copies in a row; one copy, 3 bases deleted.
Protein change: p.Asn56del; deletes asparagine 56.
Molecular consequence: inframe deletion.
Genome position (GRCh38, 1-based): chr13:32,319,174-32,319,176, CAA deleted; deleting any 3 consecutive bases within chr13:32,319,169-32,319,176 gives the same sequence; the position shown is the placement nearest the transcript's 3' end. VCF-style (leftmost placement, unchanged base first): chr13-32319168-AAAC-A. GRCh37 (hg19) VCF-style: chr13-32893305-AAAC-A.
Other names: N55del; 393del3; c.165_167delCAA (NM_000059.4, NM_000059.3); short protein forms N56del.
Identifiers: ClinVar variation 96767 (VCV000096767.76), dbSNP rs11571587, ClinGen allele CA012794.